The following is an entry in ClinVar:

NM_003722.5(TP63):c.673A>T (p.Ile225Phe)

Gene: TP63 (tumor protein p63; plus strand). Cytogenetic location: 3q28.
Variant type: single nucleotide variant.
Coding change: c.673A>T on transcript NM_003722.5 (MANE Select); coding-DNA position 673, A replaced by T.
Protein change: p.Ile225Phe; replaces isoleucine 225 with phenylalanine.
Molecular consequence: missense variant.
Genome position (GRCh38, 1-based): chr3:189,864,325, A>T. VCF-style: chr3-189864325-A-T. GRCh37 (hg19) VCF-style: chr3-189582114-A-T.
Other names: c.673A>T, p.Ile225Phe (NM_001114978.2, NM_001114979.2, NM_001329144.2 and 1 more transcripts); c.391A>T, p.Ile131Phe (NM_001114980.2, NM_001114981.2, NM_001114982.2 and 2 more transcripts); c.136A>T, p.Ile46Phe (NM_001329146.2, NM_001329150.2); c.667A>T, p.Ile223Phe (NM_001329964.2); short protein forms I223F, I46F, I131F, I225F.
Identifiers: ClinVar variation 1395935 (VCV001395935.5), dbSNP rs550991181, ClinGen allele CA2752224.
Genomic context (GRCh38, chr3:189,864,325, plus strand): 5'-ATTGCAAAGACATGCCCCATCCAGATCAAGGTGATGACCCCACCTCCTCAGGGAGCTGTT[A>T]TCCGCGCCATGCCTGTCTACAAAAAAGCTGAGCACGTCACGGAGGTGGTGAAGCGGTGCC-3'
Protein context (NP_003713.3, residues 215-235): VMTPPPQGAV[Ile225Phe]RAMPVYKKAE

ClinVar aggregate classification (germline): Uncertain significance (1 of 4 stars; one submission).

Conditions:
TP63-Related Spectrum Disorders.

Allele frequency attached by ClinVar (database versions not stated): gnomAD exomes below 0.00001.
gnomAD v4.1: 7 of 1,614,160 alleles (0.00043%); highest among the groups gnomAD compares: South Asian, 0.0066%; no homozygotes.

Submission:

Labcorp Genetics (formerly Invitae), Labcorp
Classification: Uncertain significance. Last evaluated: 2022-05-12. Review status: criteria provided, single submitter. Criteria: Invitae Variant Classification Sherloc (09022015). Collection method: clinical testing. Allele origin: germline.
Comment: This sequence change replaces isoleucine, which is neutral and non-polar, with phenylalanine, which is neutral and non-polar, at codon 225 of the TP63 protein (p.Ile225Phe). This variant is present in population databases (rs550991181, gnomAD 0.006%). This variant has not been reported in the literature in individuals affected with TP63-related conditions. Algorithms developed to predict the effect of missense changes on protein structure and function are either unavailable or do not agree on the potential impact of this missense change (SIFT: "Deleterious"; PolyPhen-2: "Possibly Damaging"; Align-GVGD: "Class C0"). In summary, the available evidence is currently insufficient to determine the role of this variant in disease. Therefore, it has been classified as a Variant of Uncertain Significance.